The following is an entry in ClinVar:

NM_000070.3(CAPN3):c.633-216C>T

Gene: CAPN3 (calpain 3; plus strand). Cytogenetic location: 15q15.1.
Variant type: single nucleotide variant.
Coding change: c.633-216C>T on transcript NM_000070.3 (MANE Select); 216 bases into the intron before coding-DNA position 633, C replaced by T.
Molecular consequence: intron variant.
Genome position (GRCh38, 1-based): chr15:42,388,712, C>T. VCF-style: chr15-42388712-C-T. GRCh37 (hg19) VCF-style: chr15-42680910-C-T.
Other names: c.633-216C>T (NM_024344.2, NM_173087.2).
Identifiers: ClinVar variation 678271 (VCV000678271.2), dbSNP rs28364416, ClinGen allele CA14198265.
Genomic context (GRCh38, chr15:42,388,712, plus strand): 5'-GTGGAAAGAGCTCTCAGGAAGTGGGGATAGCTGGGTTTCAATCCCAGTGCTTCTGGCTCT[C>T]TGTGGTCTTGGGTGGGTCACTTAGCCTCTTGAGCTCAGTTTCTTCATTATGAAGAAAGGG-3'

ClinVar aggregate classification (germline): Benign. Review status: criteria provided, multiple submitters, no conflicts (2 of 4 stars). 2 submissions from 2 submitters: Benign (2). Last evaluated 2018-06-14.

Allele frequency attached by ClinVar (database versions not stated): gnomAD 0.22506 and 0.22619; TOPMed 0.23557; 1000 Genomes Project 0.28694; 1000 Genomes Project 30x 0.29279.

Submissions (2):

GeneDx
Classification: Benign. Last evaluated: 2018-06-14. Review status: criteria provided, single submitter. Criteria: GeneDx Variant Classification (06012015). Collection method: clinical testing. Allele origin: germline. Affected: yes.
Comment: This variant is considered likely benign or benign based on one or more of the following criteria: it is a conservative change, it occurs at a poorly conserved position in the protein, it is predicted to be benign by multiple in silico algorithms, and/or has population frequency not consistent with disease.

Breakthrough Genomics
Classification: Benign. Review status: criteria provided, single submitter. Criteria: ACMG Guidelines, 2015. Collection method: not provided. Allele origin: germline. Inheritance: Autosomal recessive inheritance. Affected: yes.